The following is an entry in ClinVar:

NM_002234.4(KCNA5):c.242T>C (p.Leu81Pro)

Gene: KCNA5 (potassium voltage-gated channel subfamily A member 5; plus strand). Cytogenetic location: 12p13.32.
Variant type: single nucleotide variant.
Coding change: c.242T>C on transcript NM_002234.4 (MANE Select); coding-DNA position 242, T replaced by C.
Protein change: p.Leu81Pro; replaces leucine 81 with proline.
Molecular consequence: missense variant.
Genome position (GRCh38, 1-based): chr12:5,044,389, T>C. VCF-style: chr12-5044389-T-C. GRCh37 (hg19) VCF-style: chr12-5153555-T-C.
Other names: short protein forms L81P.
Identifiers: ClinVar variation 3687963 (VCV003687963.2).
Genomic context (GRCh38, chr12:5,044,389, plus strand): 5'-ACTCGGGAGTGCGGCCCTTGCCTCCGCTGCCGGACCCGGGAGTGCGGCCCTTGCCTCCGC[T>C]GCCAGAGGAGCTGCCACGGCCTCGACGGCCGCCTCCCGAGGACGAGGAGGAAGAAGGCGA-3'
Protein context (NP_002225.2, residues 71-91): PDPGVRPLPP[Leu81Pro]PEELPRPRRP

ClinVar aggregate classification (germline): Uncertain significance (1 of 4 stars; one submission).

Conditions:
Atrial fibrillation, familial, 7 (ATFB7). Identifiers: MedGen C2677106, MONDO:0012828, OMIM 612240.

Submission:

Labcorp Genetics (formerly Invitae), Labcorp
Classification: Uncertain significance for Atrial fibrillation, familial, 7. Last evaluated: 2024-03-02. Review status: criteria provided, single submitter. Criteria: Invitae Variant Classification Sherloc (09022015). Collection method: clinical testing. Allele origin: germline.
Comment: This sequence change replaces leucine, which is neutral and non-polar, with proline, which is neutral and non-polar, at codon 81 of the KCNA5 protein (p.Leu81Pro). This variant is not present in population databases (gnomAD no frequency). This variant has not been reported in the literature in individuals affected with KCNA5-related conditions. Algorithms developed to predict the effect of missense changes on protein structure and function output the following: SIFT: "Not Available"; PolyPhen-2: "Benign"; Align-GVGD: "Not Available". The proline amino acid residue is found in multiple mammalian species, which suggests that this missense change does not adversely affect protein function. In summary, the available evidence is currently insufficient to determine the role of this variant in disease. Therefore, it has been classified as a Variant of Uncertain Significance.